The following is an entry in ClinVar:

NM_000059.4(BRCA2):c.9117+17dup

Gene: BRCA2 (BRCA2 DNA repair associated; plus strand). Cytogenetic location: 13q13.1.
Variant type: Duplication.
Coding change: c.9117+17dup on transcript NM_000059.4 (MANE Select); 17 bases into the intron after coding-DNA position 9117, one base duplicated (G; older notation c.9117+17dupG).
Molecular consequence: intron variant.
Genome position (GRCh38, 1-based): chr13:32,379,930, G duplicated. VCF-style (leftmost placement, unchanged base first): chr13-32379929-T-TG. GRCh37 (hg19) VCF-style: chr13-32954066-T-TG.
Other names: c.9117+17dupG (NM_000059.3).
Identifiers: ClinVar variation 462515 (VCV000462515.7), dbSNP rs1555288521, ClinGen allele CA658656428.

ClinVar aggregate classification (germline): Uncertain significance (1 of 4 stars; one submission).

Conditions:
Hereditary breast ovarian cancer syndrome. Also called: Hereditary breast and ovarian cancer syndrome (HBOC); Hereditary breast and ovarian cancer syndrome; Breast and ovarian cancer; Hereditary breast and/or ovarian cancer syndrome; Hereditary breast and ovarian cancer; BRCA1- and BRCA2-Associated Hereditary Breast and Ovarian Cancer. Identifiers: Orphanet 145, MedGen C0677776, MeSH D061325, MONDO:0003582. Disease mechanism: loss of function.

Allele frequency attached by ClinVar (database versions not stated): gnomAD exomes below 0.00001.

Submission:

Labcorp Genetics (formerly Invitae), Labcorp
Classification: Uncertain significance for Hereditary breast ovarian cancer syndrome. Last evaluated: 2017-10-14. Review status: criteria provided, single submitter. Criteria: Invitae Variant Classification Sherloc (09022015). Collection method: clinical testing. Allele origin: germline.
Comment: This variant is not present in population databases (ExAC no frequency) and has not been reported in the literature in individuals with a BRCA2-related disease. This sequence change falls in intron 23 of the BRCA2 gene. It does not directly change the encoded amino acid sequence of the BRCA2 protein. Algorithms developed to predict the effect of sequence changes on RNA splicing suggest that this variant may alter RNA splicing, but this prediction has not been confirmed by published transcriptional studies. In summary, this is a novel intronic change with uncertain impact on splicing. It has been classified as a Variant of Uncertain Significance.